The following is an entry in ClinVar:

NM_005267.5(GJA8):c.68G>C (p.Arg23Thr)

Gene: GJA8 (gap junction protein alpha 8; plus strand). Cytogenetic location: 1q21.2.
Variant type: single nucleotide variant.
Coding change: c.68G>C on transcript NM_005267.5 (MANE Select); coding-DNA position 68, G replaced by C.
Protein change: p.Arg23Thr; replaces arginine 23 with threonine.
Molecular consequence: missense variant.
Genome position (GRCh38, 1-based): chr1:147,908,023, G>C. VCF-style: chr1-147908023-G-C. GRCh37 (hg19) VCF-style: chr1-147380150-G-C.
Other names: short protein forms R23T.
Identifiers: ClinVar variation 8724 (VCV000008724.2), dbSNP rs80358203, ClinGen allele CA119866.
Genomic context (GRCh38, chr1:147,908,023, plus strand): 5'-ACTGGAGTTTCCTGGGGAACATCTTGGAGGAGGTGAATGAGCACTCCACCGTCATCGGCA[G>C]AGTCTGGCTCACCGTGCTTTTCATCTTCCGGATCCTCATCCTTGGCACGGCCGCAGAGTT-3'
Protein context (NP_005258.2, residues 13-33): EVNEHSTVIG[Arg23Thr]VWLTVLFIFR

ClinVar aggregate classification (germline): Likely pathogenic. Review status: criteria provided, single submitter (1 of 4 stars). 2 submissions from 2 submitters: Likely pathogenic (1). 1 of the submissions does not count toward it. Last evaluated 2023-01-21.

Conditions:
Cataract 1 multiple types. Also called: CATARACT 1, POSTERIOR SUBCAPSULAR, WITH MICROCORNEA; CATARACT 1, STELLATE NUCLEAR, WITH MICROCORNEA; CATARACT 1, MULTIPLE TYPES, WITH OR WITHOUT MICROCORNEA; CATARACT 1, NUCLEAR PROGRESSIVE; CATARACT 1 WITH MICROCORNEA; CATARACT, DUFFY-LINKED. Identifiers: Orphanet 1377, MedGen C1861828, MONDO:0007285, OMIM 116200.

Submissions (2):

Dept. Genetics and Cancer, Menzies Institute for Medical Research, University of Tasmania
Classification: Likely pathogenic for Cataract 1 multiple types. Last evaluated: 2023-01-21. Review status: criteria provided, single submitter. Criteria: ACMG Guidelines, 2015. Collection method: curation. Allele origin: germline. Affected: yes.
Comment: Variant identified and curated during a GJA8 specific review of the literature in relation to pediatric or congenital cataract. ACMG-AMP criteria applied: PP1(Strong), PM1(Supporting), PM2(Supporting), PP3. Original variant report: PMID:14627691. The cataract phenotype reported for this variant is: Nuclear. Gene review and curation guidelines are outlined in: DOI 10.1080/17469899.2023.2160320

OMIM
Classification: Pathogenic for CATARACT 1, NUCLEAR PROGRESSIVE. Last evaluated: 2003-11-01. Review status: no assertion criteria provided. Collection method: literature only. Allele origin: germline. Not counted in ClinVar's aggregate classification.

Literature cited by the submitters: PubMed 14627691 (cited by Dept. Genetics and Cancer, Menzies Institute for Medical Research, University of Tasmania and OMIM).